The following is an entry in ClinVar:

ClinVar aggregate classification (germline): Uncertain significance (1 of 4 stars; one submission).

Submission:

CeGaT Center for Human Genetics Tuebingen
Classification: Uncertain significance. Last evaluated: 2024-09-01. Review status: criteria provided, single submitter. Criteria: CeGaT Center For Human Genetics Tuebingen Variant Classification Criteria Version 2. Collection method: clinical testing. Allele origin: germline. Affected: yes. Observed: 1 variant allele.
Comment: WDR45: PM2, PS2:Supporting

NM_001029896.2(WDR45):c.973+5G>A

Gene: WDR45 (WD repeat domain 45; minus strand). Cytogenetic location: Xp11.23.
Variant type: single nucleotide variant.
Coding change: c.973+5G>A on transcript NM_001029896.2 (MANE Select); 5 bases into the intron after coding-DNA position 973, G replaced by A.
Molecular consequence: intron variant.
Genome position (GRCh38, 1-based): chrX:49,075,131, C>T on the plus strand (G>A on the coding strand, the complement: WDR45 is on the minus strand). VCF-style: chrX-49075131-C-T. GRCh37 (hg19) VCF-style: chrX-48932790-C-T.
Other names: c.976+5G>A (NM_007075.4).
Identifiers: ClinVar variation 3389548 (VCV003389548.14).
Genomic context (GRCh38, chrX:49,075,131, plus strand): 5'-TCAGGTCCAACCTGCAGGCCTTTGCCCCATGCAGTACCCCCAACCAAGGGGCTGTTCCCA[C>T]TCACCAATGACAGAGTTGACGTTCTTGGAAGTATTGCGACCGAAGGCGCAGATGCAAGCT-3'